The following continues an entry in ClinVar:

NM_000059.4(BRCA2):c.8023A>G (p.Ile2675Val)

Gene: BRCA2. ClinVar aggregate classification (germline): Pathogenic. Pathogenic (1).

Submissions 7 to 21 of 21:

KCCC/NGS Laboratory, Kuwait Cancer Control Center
Classification: Pathogenic for Familial cancer of breast. Last evaluated: 2024-01-31. Review status: criteria provided, single submitter. Criteria: ACMG Guidelines, 2015. Collection method: clinical testing. Allele origin: germline. Inheritance: Autosomal dominant inheritance. Affected: yes. Observed: 1 heterozygote. Not counted in ClinVar's aggregate classification.
Comment: This sequence change replaces isoleucine, which is neutral and nonpolar, with valine, which is neutral and non-polar, at codon 2675 of the BRCA2 protein (p.Ile2675Val). RNA analysis indicates that this missense change induces altered splicing and likely results in the loss of 103 amino acid residue(s), This nucleotide position is highly conserved. This variant is present in population databases (rs397507954, gnomAD 0.006%). This missense change has been observed in individual(s) with clinical features of hereditary breast and ovarian cancer syndrome (PMID: 18424508, 23683081, 24249303, 25802882, 26757417, 27157322, 27741520). ClinVar contains an entry for this variant (Variation ID: 52475). In silico splice site analysis predicts that this alteration will result in the creation or strengthening of a novel splice donor site. This variant disrupts a region of the BRCA2 protein in which other variant(s) (p.Asp2723His) have been determined to be pathogenic (PMID: 15290653, 15695382, 16489001, 18607349, 23108138, 25146914). This suggests that this is a clinically significant region of the protein, and that variants that disrupt it are likely to be disease-causing. For these reasons, this variant has been classified as Pathogenic.

Baylor Genetics
Classification: Pathogenic for Familial cancer of breast. Last evaluated: 2023-08-09. Review status: criteria provided, single submitter. Criteria: ACMG Guidelines, 2015. Collection method: clinical testing. Allele origin: unknown. Not counted in ClinVar's aggregate classification.

KCCC/NGS Laboratory, Kuwait Cancer Control Center
Classification: Pathogenic for Breast-ovarian cancer, familial, susceptibility to, 2. Last evaluated: 2023-06-06. Review status: criteria provided, single submitter. Criteria: ACMG Guidelines, 2015. Collection method: clinical testing. Allele origin: germline. Affected: yes. Not counted in ClinVar's aggregate classification.

Fulgent Genetics
Classification: Pathogenic for Familial cancer of breast; Medulloblastoma; Familial prostate cancer; Wilms tumor 1; Fanconi anemia complementation group D1; Breast-ovarian cancer, familial, susceptibility to, 2; Glioma susceptibility 3; Pancreatic cancer, susceptibility to, 2. Last evaluated: 2022-05-27. Review status: criteria provided, single submitter. Criteria: ACMG Guidelines, 2015. Collection method: clinical testing. Allele origin: unknown. Not counted in ClinVar's aggregate classification.

Revvity Omics, Revvity
Classification: Pathogenic. Last evaluated: 2022-02-22. Review status: criteria provided, single submitter. Criteria: ACMG Guidelines, 2015. Collection method: clinical testing. Allele origin: germline. Not counted in ClinVar's aggregate classification.

GeneDx
Classification: Likely pathogenic. Last evaluated: 2021-07-12. Review status: criteria provided, single submitter. Criteria: GeneDx Variant Classification Process June 2021. Collection method: clinical testing. Allele origin: germline. Affected: yes. Not counted in ClinVar's aggregate classification.
Comment: Exonic splice variant demonstrated to result in aberrant splicing, resulting in the in-frame deletion of 309 nucleotides (Bonnet 2014, Fraile-Bethencourt 2017); In silico analysis supports a deleterious effect on splicing; Not observed at significant frequency in large population cohorts (Lek 2016); Observed in multiple individuals with a personal and/or family history consistent with Hereditary Breast and Ovarian Cancer (HBOC) syndrome (Blay 2013, Hirotsu 2015, Nakamura 2015, Fernandes 2016, Ng 2016, Sakamoto 2016); Multifactorial likelihood analysis suggests this variant is pathogenic (Parsons 2019); Also known as 8251A>G; This variant is associated with the following publications: (PMID: 32377563, 31159747, 30720243, 30652428, 29176636, 31214711, 30287823, 28993434, 30415210, 29446198, 28111427, 12228710, 27535533, 29907814, 32862574, 33875706, 23683081, 25802882, 24249303, 27741520, 26757417, 26439132, 31131967, 28339459, 18424508, 22505045, 27157322)

Quest Diagnostics Nichols Institute San Juan Capistrano
Classification: Pathogenic. Last evaluated: 2021-02-11. Review status: criteria provided, single submitter. Criteria: Quest Diagnostics criteria. Collection method: clinical testing. Allele origin: unknown. Not counted in ClinVar's aggregate classification.
Comment: This variant has been reported in healthy controls and in individuals affected with breast or ovarian cancer in the published literature (PMID: 30652428 (2019), 30287823 (2018), 29907814 (2018), 29383094 (2017), 28993434 (2018)). Additionally, functional studies indicate that this variant interferes with normal BRCA2 mRNA splicing (PMID: 28339459 (2017), 22505045 (2012), 18424508 (2008)). Analysis of this variant using bioinformatics tools for the prediction of the effect of amino acid changes on protein structure and function yielded predictions that this variant is disease causing and damaging. Variant is located in potentially critical domain of the protein. Therefore, the variant is classified as pathogenic.

Women's Health and Genetics/Laboratory Corporation of America, LabCorp
Classification: Pathogenic for Hereditary breast and ovarian cancer syndrome. Last evaluated: 2020-11-19. Review status: criteria provided, single submitter. Criteria: LabCorp Variant Classification Summary - May 2015. Collection method: clinical testing. Allele origin: germline. Not counted in ClinVar's aggregate classification.
Comment: Variant summary: BRCA2 c.8023A>G (p.Ile2675Val) results in a conservative amino acid change located in the BRCA2, OB1 domain of the encoded protein sequence. Four of five in-silico tools predict a damaging effect of the variant on protein function. Several computational tools predict a significant impact on normal splicing: Three predict that the variant creates a cryptic exonic 5-prime donor site. These predictions were confirmed by experimental evidence which demonstrated that the variant results in loss of a stretch of 309 nucleotides at the 3-prime terminal of exon 18 from the mRNA. Multiple studies observed abundant aberrant product and a complete absence of wild type product (Fraile-Bethencourt_2017, Houdayer_2012, Bonnet_2008). The variant allele was found at a frequency of 4e-06 in 251076 control chromosomes. c.8023A>G has been reported in the literature in multiple individuals affected with Hereditary Breast And Ovarian Cancer Syndrome (e.g. Rebbeck_2018, Hirotsu_2015, Blay_2013, Bonnet_2008, Palma_2008). These data indicate that the variant is very likely to be associated with disease. Six other ClinVar submitters (evaluation after 2014), including two expert panels, have cited the variant as pathogenic/likely pathogenic. Based on the evidence outlined above, the variant was classified as pathogenic.

Genetics and Molecular Pathology, SA Pathology
Classification: Pathogenic for Familial cancer of breast. Last evaluated: 2020-10-28. Review status: criteria provided, single submitter. Criteria: ACMG Guidelines, 2015. Collection method: clinical testing. Allele origin: germline. Affected: yes. Not counted in ClinVar's aggregate classification.

GeneKor MSA
Classification: Likely pathogenic for Hereditary breast and ovarian cancer syndrome. Last evaluated: 2020-01-01. Review status: criteria provided, single submitter. Criteria: ACMG Guidelines, 2015. Collection method: clinical testing. Allele origin: germline. Affected: yes. Not counted in ClinVar's aggregate classification.
Comment: This variant is a missense mutation replaces Isoleucine with Valine at codon 2675 of the BRCA2 protein. The isoleucine residue is highly conserved in a functional domain of the protein and there is a small physiochemical difference between isoleucine and valine (Grantham Score 29). This sequence change is not present in population databases (rs397507954, no ExAC). It has been described in literature in individuals and families affected with breast and/or ovarian cancer (PMID: 18424508, PMID: 25802882, PMID: 26757417, PMID: 27741520, PMID: 27157322 ). ClinVar contains multiple entries for this variant (Variation ID: 52475). Algorithms developed to predict the effect of missense changes on protein structure and function suggest that this variant is likely to be detrimental to protein function, a prediction which is supported by experimental RT-PCR and mini-gene splicing assays which show that this missense change creates a strong donor splice site, resulting in the removal of 309 nucleotides (r.8023_8331del) of exon 18 and the in-frame deletion of 103 amino acid residues (p.Ile2675_Lys2777del) (PMID: 22505045, PMID: 18424508 , PMID: 28339459 ). At least three different missense substitutions within the deleted region of BRCA2 (p.Thr2722Arg, p.Asp2723Gly, p.Asp2723His) are reported to be deleterious (PMID: 12145750 , PMID: 21990134 , PMID: 15290653, PMID: 16489001). This indicates that the residues included in the deleted region are important for BRCA2 protein function.

Consortium of Investigators of Modifiers of BRCA1/2 (CIMBA), c/o University of Cambridge
Classification: Pathogenic for Breast-ovarian cancer, familial, susceptibility to, 2. Last evaluated: 2015-10-02. Review status: criteria provided, single submitter. Criteria: CIMBA Mutation Classification guidelines May 2016. Collection method: clinical testing. Allele origin: germline. Not counted in ClinVar's aggregate classification.

BRCAlab, Lund University
Classification: Pathogenic for Breast-ovarian cancer, familial, susceptibility to, 2. Last evaluated: 2022-08-26. Review status: no assertion criteria provided. Collection method: clinical testing. Allele origin: germline. Affected: yes. Not counted in ClinVar's aggregate classification.

Laboratory for Genotyping Development, RIKEN
Classification: Pathogenic for Gastric cancer. Last evaluated: 2021-07-01. Review status: no assertion criteria provided. Collection method: research. Allele origin: germline. Not counted in ClinVar's aggregate classification.

Molecular Oncology, Hospital Universitario Central de Asturias (HUCA)
Classification: Pathogenic for Breast-ovarian cancer, familial, susceptibility to, 2. Last evaluated: 2021-05-24. Review status: no assertion criteria provided. Collection method: case-control. Allele origin: germline. Affected: yes. Not counted in ClinVar's aggregate classification.

Counsyl
Classification: Pathogenic for Breast-ovarian cancer, familial, susceptibility to, 2. Last evaluated: 2017-06-20. Review status: no assertion criteria provided. Collection method: clinical testing. Allele origin: unknown. Not counted in ClinVar's aggregate classification.

Literature cited by the submitters: PubMed 18424508 (cited by 4 submitters); PubMed 23683081 (cited by 5 submitters); PubMed 24249303 (cited by 4 submitters); PubMed 25802882 (cited by 3 submitters); PubMed 26757417 (cited by 4 submitters); PubMed 27157322 (cited by 3 submitters); PubMed 27741520 (cited by 4 submitters); PubMed 22505045 (cited by 4 submitters); PubMed 28339459 (cited by 5 submitters); PubMed 31191615 (cited by Labcorp Genetics (formerly Invitae), Labcorp); PubMed 15290653 (cited by Labcorp Genetics (formerly Invitae), Labcorp); PubMed 15695382 (cited by Labcorp Genetics (formerly Invitae), Labcorp); PubMed 16489001 (cited by Labcorp Genetics (formerly Invitae), Labcorp); PubMed 18607349 (cited by Labcorp Genetics (formerly Invitae), Labcorp); PubMed 23108138 (cited by Labcorp Genetics (formerly Invitae), Labcorp); PubMed 25146914 (cited by Labcorp Genetics (formerly Invitae), Labcorp); PubMed 26439132 (cited by 3 submitters); PubMed 28111427 (cited by 3 submitters); PubMed 28993434 (cited by Ambry Genetics and Quest Diagnostics Nichols Institute San Juan Capistrano); PubMed 29192238 (cited by Ambry Genetics); PubMed 29215753 (cited by Ambry Genetics); PubMed 29446198 (cited by 3 submitters); PubMed 30203341 (cited by Ambry Genetics); PubMed 30287823 (cited by Ambry Genetics and Quest Diagnostics Nichols Institute San Juan Capistrano); PubMed 30415210 (cited by Ambry Genetics and Quest Diagnostics Nichols Institute San Juan Capistrano); PubMed 30652428 (cited by Ambry Genetics and Quest Diagnostics Nichols Institute San Juan Capistrano); PubMed 31159747 (cited by Ambry Genetics); PubMed 32486089 (cited by Ambry Genetics); PubMed 32862574 (cited by Ambry Genetics); PubMed 30720243 (cited by Quest Diagnostics Nichols Institute San Juan Capistrano); PubMed 29907814 (cited by Quest Diagnostics Nichols Institute San Juan Capistrano); PubMed 29383094 (cited by Quest Diagnostics Nichols Institute San Juan Capistrano); PubMed 18703817 (cited by Women's Health and Genetics/Laboratory Corporation of America, LabCorp and Counsyl); PubMed 26436112 (cited by Women's Health and Genetics/Laboratory Corporation of America, LabCorp); PubMed 36988593 (cited by Laboratory for Genotyping Development, RIKEN); PubMed 38922859 (cited by Molecular Oncology, Hospital Universitario Central de Asturias (HUCA)); PubMed 25348012 (cited by Counsyl).